The following is an entry in ClinVar:

NM_014254.3(RXYLT1):c.428+5T>C

Gene: RXYLT1 (ribitol xylosyltransferase 1; plus strand). Cytogenetic location: 12q14.2.
Variant type: single nucleotide variant.
Coding change: c.428+5T>C on transcript NM_014254.3 (MANE Select); 5 bases into the intron after coding-DNA position 428, T replaced by C.
Molecular consequence: intron variant.
Genome position (GRCh38, 1-based): chr12:63,785,077, T>C. VCF-style: chr12-63785077-T-C. GRCh37 (hg19) VCF-style: chr12-64178857-T-C.
Other names: c.-353+5T>C (NM_001278237.2).
Identifiers: ClinVar variation 1020876 (VCV001020876.6), dbSNP rs1897771192, ClinGen allele CA2041870620.

ClinVar aggregate classification (germline): Uncertain significance (1 of 4 stars; one submission).

Submission:

Labcorp Genetics (formerly Invitae), Labcorp
Classification: Uncertain significance. Last evaluated: 2020-06-15. Review status: criteria provided, single submitter. Criteria: Invitae Variant Classification Sherloc (09022015). Collection method: clinical testing. Allele origin: germline.
Comment: This sequence change falls in intron 3 of the RXYLT1 gene. It does not directly change the encoded amino acid sequence of the RXYLT1 protein, but it affects a nucleotide within the consensus splice site of the intron. This variant is not present in population databases (ExAC no frequency). This variant has not been reported in the literature in individuals with RXYLT1-related conditions. Nucleotide substitutions within the consensus splice site are a relatively common cause of aberrant splicing (PMID: 17576681, 9536098). Algorithms developed to predict the effect of sequence changes on RNA splicing suggest that this variant is not likely to affect RNA splicing, but this prediction has not been confirmed by published transcriptional studies. In summary, the available evidence is currently insufficient to determine the role of this variant in disease. Therefore, it has been classified as a Variant of Uncertain Significance.

Literature cited by the submitters: PubMed 17576681; PubMed 9536098.